The following is an entry in ClinVar:

ClinVar aggregate classification (germline): Uncertain significance. Review status: criteria provided, multiple submitters, no conflicts (2 of 4 stars). 2 submissions from 2 submitters: Uncertain significance (2). Last evaluated 2023-11-28.

Conditions:
Epilepsy, progressive myoclonic, 1B. Also called: PME. Identifiers: Orphanet 308, MedGen C2676254, MONDO:0012904, OMIM 612437.

Allele frequency attached by ClinVar (database versions not stated): gnomAD exomes 0.00001 and 0.00006; TOPMed 0.00002; ExAC 0.00003.
gnomAD v4.1: 10 of 1,614,144 alleles (0.00062%); highest among the groups gnomAD compares: East Asian, 0.018%; no homozygotes.

Submissions (2):

Ambry Genetics
Classification: Uncertain significance. Last evaluated: 2023-11-28. Review status: criteria provided, single submitter. Criteria: Ambry Variant Classification Scheme 2023. Collection method: clinical testing. Allele origin: germline.

Labcorp Genetics (formerly Invitae), Labcorp
Classification: Uncertain significance for Epilepsy, progressive myoclonic, 1B. Last evaluated: 2022-02-10. Review status: criteria provided, single submitter. Criteria: Invitae Variant Classification Sherloc (09022015). Collection method: clinical testing. Allele origin: germline.
Comment: This sequence change replaces serine, which is neutral and polar, with threonine, which is neutral and polar, at codon 591 of the PRICKLE1 protein (p.Ser591Thr). This variant is present in population databases (rs778075325, gnomAD 0.08%). This variant has not been reported in the literature in individuals affected with PRICKLE1-related conditions. ClinVar contains an entry for this variant (Variation ID: 1046107). Algorithms developed to predict the effect of missense changes on protein structure and function (SIFT, PolyPhen-2, Align-GVGD) all suggest that this variant is likely to be tolerated. In summary, the available evidence is currently insufficient to determine the role of this variant in disease. Therefore, it has been classified as a Variant of Uncertain Significance.

NM_153026.3(PRICKLE1):c.1772G>C (p.Ser591Thr)

Gene: PRICKLE1 (prickle planar cell polarity protein 1; minus strand). Cytogenetic location: 12q12.
Variant type: single nucleotide variant.
Coding change: c.1772G>C on transcript NM_153026.3 (MANE Select); coding-DNA position 1772, G replaced by C.
Protein change: p.Ser591Thr; replaces serine 591 with threonine.
Molecular consequence: missense variant.
Genome position (GRCh38, 1-based): chr12:42,460,533, C>G on the plus strand (G>C on the coding strand, the complement: PRICKLE1 is on the minus strand). VCF-style: chr12-42460533-C-G. GRCh37 (hg19) VCF-style: chr12-42854335-C-G.
Other names: c.1772G>C, p.Ser591Thr (NM_001144881.2, NM_001144882.2, NM_001144883.2); c.1772G>C (NM_153026.2); short protein forms S591T.
Identifiers: ClinVar variation 1046107 (VCV001046107.6), dbSNP rs778075325, ClinGen allele CA6519697.